The following is an entry in ClinVar:

NM_000455.5(STK11):c.1108G>A (p.Gly370Arg)

Genes: STK11 (serine/threonine kinase 11; plus strand), LOC130062899 (ATAC-STARR-seq lymphoblastoid active region 13597; plus strand). Cytogenetic location: 19p13.3.
Variant type: single nucleotide variant.
Coding change: c.1108G>A on transcript NM_000455.5 (MANE Select); coding-DNA position 1108, G replaced by A.
Protein change: p.Gly370Arg; replaces glycine 370 with arginine.
Molecular consequence: missense variant.
Genome position (GRCh38, 1-based): chr19:1,223,172, G>A. VCF-style: chr19-1223172-G-A. GRCh37 (hg19) VCF-style: chr19-1223171-G-A.
Other names: short protein forms G370R.
Identifiers: ClinVar variation 185965 (VCV000185965.27), dbSNP rs747655835, ClinGen allele CA022305.
Genomic context (GRCh38, chr19:1,223,172, plus strand): 5'-GACGAGGACCTCTTCGACATCGAGGATGACATCATCTACACTCAGGACTTCACGGTGCCC[G>A]GTGAGTCTGGCGGGGGCCCCTGCCCGGCTCTGCTGACTCGGCCAGGATGTCCCACGGGAG-3'
Protein context (NP_000446.1, residues 360-380): IIYTQDFTVP[Gly370Arg]QVPEEEASHN

ClinVar aggregate classification (germline): Conflicting classifications of pathogenicity. Review status: criteria provided, conflicting classifications (1 of 4 stars). 6 submissions from 6 submitters: Uncertain significance (5); Likely benign (1). Last evaluated 2025-12-10.

Conditions:
Melanoma, cutaneous malignant, susceptibility to, 1 (CMM1). Also called: B-K MOLE SYNDROME; MELANOMA, MALIGNANT; DYSPLASTIC NEVUS SYNDROME, HEREDITARY; FAMILIAL ATYPICAL MOLE-MALIGNANT MELANOMA SYNDROME. Identifiers: Orphanet 618, MedGen C1835047, MONDO:0007963, OMIM 155600.
Hereditary cancer-predisposing syndrome. Also called: Hereditary Cancer Syndrome; Neoplastic Syndromes, Hereditary; Tumor predisposition; Hereditary neoplastic syndrome. Identifiers: Orphanet 140162, MedGen C0027672, MeSH D009386, MONDO:0015356.
Peutz-Jeghers syndrome (PJS). Also called: POLYPOSIS, HAMARTOMATOUS INTESTINAL; POLYPS-AND-SPOTS SYNDROME; Peutz-Jeghers polyposis; Periorificial lentiginosis syndrome. Identifiers: Orphanet 2869, MedGen C0031269, MeSH D010580, MONDO:0008280, OMIM 175200.

Allele frequency attached by ClinVar (database versions not stated): gnomAD exomes below 0.00001; ExAC 0.00001; TOPMed 0.00003.
gnomAD v4.1: 4 of 1,609,818 alleles (0.00025%); highest among the groups gnomAD compares: Admixed American, 0.0017%; no homozygotes.

Submissions (6):

Color Diagnostics, LLC DBA Color Health
Classification: Uncertain significance for Hereditary cancer-predisposing syndrome. Last evaluated: 2025-12-10. Review status: criteria provided, single submitter. Criteria: ACMG Guidelines, 2015. Collection method: clinical testing. Allele origin: germline.
Comment: This missense variant replaces glycine with arginine at codon 370 of the STK11 protein. Computational prediction suggests that this variant may not impact protein structure and function. To our knowledge, functional studies have not been reported for this variant. This variant has been reported in an individual affected with breast cancer (PMID: 30287823). This variant has been identified in 4/1609818 chromosomes in the general population by the Genome Aggregation Database (gnomAD). The available evidence is insufficient to determine the role of this variant in disease conclusively. Therefore, this variant is classified as a Variant of Uncertain Significance.

Ambry Genetics
Classification: Uncertain significance for Hereditary cancer-predisposing syndrome. Last evaluated: 2025-10-27. Review status: criteria provided, single submitter. Criteria: Ambry Variant Classification Scheme 2023. Collection method: clinical testing. Allele origin: germline.
Comment: The p.G370R variant (also known as c.1108G>A), located in coding exon 8 of the STK11 gene, results from a G to A substitution at nucleotide position 1108. The amino acid change results in glycine to arginine at codon 370, an amino acid with dissimilar properties. However, this change occurs in the last base pair of coding exon 8 and may have some effect on normal mRNA splicing. This nucleotide position is highly conserved on sequence alignment. In silico splice site analysis predicts that this alteration will not have any significant effect on splicing. This amino acid position is highly conserved in available vertebrate species. In addition, as a missense substitution this is predicted to be inconclusive by in silico analysis. Based on the available evidence, the clinical significance of this variant remains unclear.

Labcorp Genetics (formerly Invitae), Labcorp
Classification: Likely benign for Peutz-Jeghers syndrome. Last evaluated: 2025-08-18. Review status: criteria provided, single submitter. Criteria: Invitae Variant Classification Sherloc (09022015). Collection method: clinical testing. Allele origin: germline.

Baylor Genetics
Classification: Uncertain significance for Melanoma, cutaneous malignant, susceptibility to, 1. Last evaluated: 2024-01-28. Review status: criteria provided, single submitter. Criteria: ACMG Guidelines, 2015. Collection method: clinical testing. Allele origin: unknown.

All of Us Research Program, National Institutes of Health
Classification: Uncertain significance for Peutz-Jeghers syndrome. Last evaluated: 2023-01-10. Review status: criteria provided, single submitter. Criteria: ACMG Guidelines, 2015. Collection method: clinical testing. Allele origin: germline. Inheritance: Autosomal dominant inheritance. Observed: 1 variant allele, 1 heterozygote.
Comment: This missense variant replaces glycine with arginine at codon 370 of the STK11 protein. Computational prediction suggests that this variant may not impact protein structure and function (internally defined REVEL score threshold <= 0.5, PMID: 27666373). To our knowledge, functional studies have not been reported for this variant. In a case-control study conducted in Japan, this variant was reported in 1/7051 female breast cancer cases and absent in 11241 controls (PMID: 30287823). This variant has not been identified in the general population by the Genome Aggregation Database (gnomAD). The available evidence is insufficient to determine the role of this variant in disease conclusively. Therefore, this variant is classified as a Variant of Uncertain Significance.

This study involves interpretation of variants in research participants for the purpose of population health screening. Participant phenotype was not available at the time of variant classification. Additional details can be found in publication PMID: 35346344, PMCID: PMC8962531

Genome-Nilou Lab
Classification: Uncertain significance for Peutz-Jeghers syndrome. Last evaluated: 2021-07-15. Review status: criteria provided, single submitter. Criteria: ACMG Guidelines, 2015. Collection method: clinical testing. Allele origin: germline. Affected: no.

Literature cited by the submitters: PubMed 30287823 (cited by 3 submitters).